The following is an entry in ClinVar:

NM_001267550.2(TTN):c.68217T>C (p.His22739=)

Genes: TTN (titin; minus strand), TTN-AS1 (TTN antisense RNA 1; plus strand), LOC126806423 (CDK7 strongly-dependent group 2 enhancer GRCh37_chr2:179443309-179444508; plus strand). Cytogenetic location: 2q31.2.
Variant type: single nucleotide variant.
Coding change: c.68217T>C on transcript NM_001267550.2 (MANE Select); coding-DNA position 68217, T replaced by C.
Protein change: p.His22739=; no amino-acid change (histidine 22739 retained).
Molecular consequence: synonymous variant.
Genome position (GRCh38, 1-based): chr2:178,578,813, A>G on the plus strand (T>C on the coding strand, the complement: TTN is on the minus strand). VCF-style: chr2-178578813-A-G. GRCh37 (hg19) VCF-style: chr2-179443540-A-G.
Other names: p.H20171H:CAT>CAC; p.His20171=; c.63294T>C, p.His21098= (NM_001256850.1); c.41022T>C, p.His13674= (NM_003319.4); c.60513T>C, p.His20171= (NM_133378.4); c.41397T>C, p.His13799= (NM_133432.3); c.41598T>C, p.His13866= (NM_133437.4).
Identifiers: ClinVar variation 47263 (VCV000047263.33), dbSNP rs10497517, ClinGen allele CA283661.
Genomic context (GRCh38, chr2:178,578,813, plus strand): 5'-AGCCTCCTCAAAACCGTGTTTTGCTTTACGTCTTCTGAATTTAAGACACTTACCAAATGG[A>G]TGTCTCGCAACAATTGGCTCCGATTTCAGGCCTTCCCCTACACCATATTTATTTTCGGCA-3'
Protein context (NP_001254479.2, residues 22729-22749): GLKSEPIVAR[His22739=]PFDVPDAPPP

ClinVar aggregate classification (germline): Benign. Review status: criteria provided, multiple submitters, no conflicts (2 of 4 stars). 21 submissions from 14 submitters: Benign (18). 3 of the submissions do not count toward it. Last evaluated 2026-02-04.

Conditions:
Cardiovascular phenotype. Identifiers: MedGen CN230736.
Dilated cardiomyopathy 1G (CMD1G). Identifiers: Orphanet 154, MedGen C1858763, MONDO:0011400, OMIM 604145.
Autosomal recessive limb-girdle muscular dystrophy type 2J (LGMDR10). Also called: MUSCULAR DYSTROPHY, LIMB-GIRDLE, AUTOSOMAL RECESSIVE 10; Limb-girdle muscular dystrophy, type 2J. Identifiers: Orphanet 140922, MedGen C1837342, MONDO:0012127, OMIM 608807.
Early-onset myopathy with fatal cardiomyopathy (CMYO5). Also called: CONGENITAL MYOPATHY 5 WITH CARDIOMYOPATHY; Salih Myopathy. Identifiers: Orphanet 289377, MedGen C2673677, MONDO:0012714, OMIM 611705. Disease mechanism: loss of function.
Myopathy, myofibrillar, 9, with early respiratory failure (MFM9). Also called: Myopathy, distal, with early respiratory failure, autosomal dominant; Hereditary myopathy with early respiratory failure; MYOPATHY, PROXIMAL, WITH EARLY RESPIRATORY MUSCLE INVOLVEMENT; EDSTROM MYOPATHY. Identifiers: Orphanet 178464, Orphanet 34521, MedGen C1863599, MONDO:0011362, OMIM 603689.
Tibial muscular dystrophy (TMD). Also called: Udd Distal Myopathy – Tibial Muscular Dystrophy; Tibial muscular dystrophy, tardive; UDD MYOPATHY. Identifiers: Orphanet 609, MedGen C1838244, MONDO:0010870, OMIM 600334.

Allele frequency attached by ClinVar (database versions not stated): ESP Exome Variant Server 0.08376; 1000 Genomes Project 0.13598; 1000 Genomes Project 30x 0.13882; gnomAD exomes 0.05298 and 0.08972; ExAC 0.08677; gnomAD 0.09961 and 0.09829; TOPMed 0.10818.
gnomAD v4.1: 92,951 of 1,609,840 alleles (5.8%); highest among the groups gnomAD compares: African/African-American, 20%; 5,380 homozygotes.

Submissions (21):

Labcorp Genetics (formerly Invitae), Labcorp
Classification: Benign for Dilated cardiomyopathy 1G; Autosomal recessive limb-girdle muscular dystrophy type 2J. Last evaluated: 2026-02-04. Review status: criteria provided, single submitter. Criteria: Invitae Variant Classification Sherloc (09022015). Collection method: clinical testing. Allele origin: germline.

Molecular Diagnostic Laboratory for Inherited Cardiovascular Disease, Montreal Heart Institute
Classification: Benign. Last evaluated: 2025-04-09. Review status: criteria provided, single submitter. Criteria: ACMG Guidelines, 2015. Collection method: clinical testing. Allele origin: germline. Affected: no.

Genome-Nilou Lab
Classification: Benign for Autosomal recessive limb-girdle muscular dystrophy type 2J. Last evaluated: 2021-09-10. Review status: criteria provided, single submitter. Criteria: ACMG Guidelines, 2015. Collection method: clinical testing. Allele origin: germline. Affected: no.

Genome-Nilou Lab
Classification: Benign for Myopathy, myofibrillar, 9, with early respiratory failure. Last evaluated: 2021-09-10. Review status: criteria provided, single submitter. Criteria: ACMG Guidelines, 2015. Collection method: clinical testing. Allele origin: germline. Affected: no.

Genome-Nilou Lab
Classification: Benign for Early-onset myopathy with fatal cardiomyopathy. Last evaluated: 2021-09-10. Review status: criteria provided, single submitter. Criteria: ACMG Guidelines, 2015. Collection method: clinical testing. Allele origin: germline. Affected: no.

Genome-Nilou Lab
Classification: Benign for Tibial muscular dystrophy. Last evaluated: 2021-09-10. Review status: criteria provided, single submitter. Criteria: ACMG Guidelines, 2015. Collection method: clinical testing. Allele origin: germline. Affected: no.

Women's Health and Genetics/Laboratory Corporation of America, LabCorp
Classification: Benign. Last evaluated: 2019-08-19. Review status: criteria provided, single submitter. Criteria: LabCorp Variant Classification Summary - May 2015. Collection method: clinical testing. Allele origin: germline.

Illumina Laboratory Services, Illumina
Classification: Benign for Tibial muscular dystrophy. Last evaluated: 2018-01-12. Review status: criteria provided, single submitter. Criteria: ICSL Variant Classification Criteria 13 December 2019. Collection method: clinical testing. Allele origin: germline.
Comment: This variant was observed in the ICSL laboratory as part of a predisposition screen in an ostensibly healthy population. It had not been previously curated by ICSL or reported in the Human Gene Mutation Database (HGMD: prior to June 1st, 2018), and was therefore a candidate for classification through an automated scoring system. Utilizing variant allele frequency, disease prevalence and penetrance estimates, and inheritance mode, an automated score was calculated to assess if this variant is too frequent to cause the disease. Based on the score and internal cut-off values, a variant classified as benign is not then subjected to further curation. The score for this variant resulted in a classification of benign for this disease.

Illumina Laboratory Services, Illumina
Classification: Benign for Dilated cardiomyopathy 1G. Last evaluated: 2018-01-12. Review status: criteria provided, single submitter. Criteria: ICSL Variant Classification Criteria 13 December 2019. Collection method: clinical testing. Allele origin: germline.
Comment: the same text as in the submission from Illumina Laboratory Services, Illumina above.

Illumina Laboratory Services, Illumina
Classification: Benign for Autosomal recessive limb-girdle muscular dystrophy type 2J. Last evaluated: 2018-01-12. Review status: criteria provided, single submitter. Criteria: ICSL Variant Classification Criteria 13 December 2019. Collection method: clinical testing. Allele origin: germline.
Comment: the same text as in the submission from Illumina Laboratory Services, Illumina above.

Illumina Laboratory Services, Illumina
Classification: Benign for Myopathy, myofibrillar, 9, with early respiratory failure. Last evaluated: 2018-01-12. Review status: criteria provided, single submitter. Criteria: ICSL Variant Classification Criteria 13 December 2019. Collection method: clinical testing. Allele origin: germline.
Comment: the same text as in the submission from Illumina Laboratory Services, Illumina above.

Illumina Laboratory Services, Illumina
Classification: Benign for Early-onset myopathy with fatal cardiomyopathy. Last evaluated: 2018-01-12. Review status: criteria provided, single submitter. Criteria: ICSL Variant Classification Criteria 13 December 2019. Collection method: clinical testing. Allele origin: germline.
Comment: the same text as in the submission from Illumina Laboratory Services, Illumina above.

Mayo Clinic Laboratories, Mayo Clinic
Classification: Benign. Last evaluated: 2017-08-24. Review status: criteria provided, single submitter. Criteria: ACMG Guidelines, 2015. Collection method: clinical testing. Allele origin: germline. Observed: 310 variant alleles.

Ambry Genetics
Classification: Benign for Cardiovascular phenotype. Last evaluated: 2013-01-16. Review status: criteria provided, single submitter. Criteria: Ambry Autosomal Dominant and X-Linked criteria (10/2015). Collection method: clinical testing. Allele origin: germline. Observed: 1 variant allele.

GeneDx
Classification: Benign. Last evaluated: 2012-10-26. Review status: criteria provided, single submitter. Criteria: GeneDx Variant Classification (06012015). Collection method: clinical testing. Allele origin: germline. Affected: yes.
Comment: This variant is considered likely benign or benign based on one or more of the following criteria: it is a conservative change, it occurs at a poorly conserved position in the protein, it is predicted to be benign by multiple in silico algorithms, and/or has population frequency not consistent with disease.

Laboratory for Molecular Medicine, Mass General Brigham Personalized Medicine
Classification: Benign. Last evaluated: 2011-09-27. Review status: criteria provided, single submitter. Criteria: LMM Criteria. Collection method: clinical testing. Allele origin: germline. Observed: 267 variant alleles.

Breakthrough Genomics
Classification: Benign. Review status: criteria provided, single submitter. Criteria: ACMG Guidelines, 2015. Collection method: not provided. Allele origin: germline. Inheritance: Autosomal recessive inheritance. Affected: yes.

PreventionGenetics, part of Exact Sciences
Classification: Benign. Review status: criteria provided, single submitter. Criteria: ACMG Guidelines, 2015. Collection method: clinical testing. Allele origin: germline.

Clinical Genetics DNA and cytogenetics Diagnostics Lab, Erasmus MC, Erasmus Medical Center
Classification: Benign. Review status: no assertion criteria provided. Collection method: clinical testing. Allele origin: germline. Affected: yes. Study: VKGL Data-share Consensus. Not counted in ClinVar's aggregate classification.

Clinical Genetics, Academic Medical Center
Classification: Benign. Review status: no assertion criteria provided. Collection method: clinical testing. Allele origin: germline. Affected: yes. Study: VKGL Data-share Consensus. Not counted in ClinVar's aggregate classification.

Genetic Services Laboratory, University of Chicago
Classification: Likely benign for AllHighlyPenetrant. Review status: no assertion criteria provided. Collection method: clinical testing. Allele origin: germline. Not counted in ClinVar's aggregate classification.
Comment: Likely benign based on allele frequency in 1000 Genomes Project or ESP global frequency and its presence in a patient with a rare or unrelated disease phenotype. NOT Sanger confirmed.